The following is an entry in ClinVar:

ClinVar aggregate classification (germline): Conflicting classifications of pathogenicity. Review status: criteria provided, conflicting classifications (1 of 4 stars). 2 submissions from 2 submitters: Uncertain significance (1); Likely benign (1). Last evaluated 2025-10-01.

Conditions:
Inborn genetic diseases. Identifiers: MedGen C0950123, MeSH D030342.

Allele frequency attached by ClinVar (database versions not stated): gnomAD exomes 0.00001; TOPMed 0.00003.
gnomAD v4.1: 4 of 1,549,270 alleles (0.00026%); highest among the groups gnomAD compares: Admixed American, 0.0059%; no homozygotes.

Submissions (2):

CeGaT Center for Human Genetics Tuebingen
Classification: Likely benign. Last evaluated: 2025-10-01. Review status: criteria provided, single submitter. Criteria: CeGaT Center For Human Genetics Tuebingen Variant Classification Criteria Version 2. Collection method: clinical testing. Allele origin: germline. Affected: yes. Observed: 1 variant allele.
Comment: SETD1B: PP3, BS2

Ambry Genetics
Classification: Uncertain significance for Inborn genetic diseases. Last evaluated: 2021-03-15. Review status: criteria provided, single submitter. Criteria: Ambry Variant Classification Scheme 2023. Collection method: clinical testing. Allele origin: germline.
Comment: The c.4565A>G (p.H1522R) alteration is located in exon 12 (coding exon 12) of the SETD1B gene. This alteration results from a A to G substitution at nucleotide position 4565, causing the histidine (H) at amino acid position 1522 to be replaced by an arginine (R). The p.H1522R alteration is predicted to be tolerated by in silico analysis. Based on insufficient or conflicting evidence, the clinical significance of this alteration remains unclear.

NM_001353345.2(SETD1B):c.4694A>G (p.His1565Arg)

Gene: SETD1B (SET domain containing 1B, histone lysine methyltransferase; plus strand). Cytogenetic location: 12q24.31.
Variant type: single nucleotide variant.
Coding change: c.4694A>G on transcript NM_001353345.2 (MANE Select); coding-DNA position 4694, A replaced by G.
Protein change: p.His1565Arg; replaces histidine 1565 with arginine.
Molecular consequence: missense variant.
Genome position (GRCh38, 1-based): chr12:121,823,273, A>G. VCF-style: chr12-121823273-A-G. GRCh37 (hg19) VCF-style: chr12-122261179-A-G.
Other names: NM_015048.1:c.4565A>G; short protein forms H1565R.
Identifiers: ClinVar variation 2229533 (VCV002229533.8), dbSNP rs1480059016, ClinGen allele CA386999518.